The following is an entry in ClinVar:

NM_002834.5(PTPN11):c.1594G>A (p.Glu532Lys)

Gene: PTPN11 (protein tyrosine phosphatase non-receptor type 11; plus strand). Cytogenetic location: 12q24.13.
Variant type: single nucleotide variant.
Coding change: c.1594G>A on transcript NM_002834.5 (MANE Select); coding-DNA position 1594, G replaced by A.
Protein change: p.Glu532Lys; replaces glutamic acid 532 with lysine.
Molecular consequence: missense variant.
Genome position (GRCh38, 1-based): chr12:112,489,170, G>A. VCF-style: chr12-112489170-G-A. GRCh37 (hg19) VCF-style: chr12-112926974-G-A.
Other names: c.1594G>A (NM_002834.4); c.1606G>A, p.Glu536Lys (NM_001330437.2); c.1591G>A, p.Glu531Lys (NM_001374625.1); short protein forms E532K, E536K, E531K.
Identifiers: ClinVar variation 135111 (VCV000135111.19), dbSNP rs587778634, ClinGen allele CA161773.

ClinVar aggregate classification (germline): Uncertain significance. Review status: criteria provided, multiple submitters, no conflicts (2 of 4 stars). 9 submissions from 9 submitters: Uncertain significance (8). 1 of the submissions does not count toward it. Last evaluated 2026-10-01.

Conditions:
Noonan syndrome and Noonan-related syndrome. Identifiers: Orphanet 98733, MedGen C5681679, MONDO:0020297.
Cardiovascular phenotype. Identifiers: MedGen CN230736.
LEOPARD syndrome 1 (LPRD1). Also called: LENTIGINOSIS, CARDIOMYOPATHIC; MULTIPLE LENTIGINES SYNDROME; PTPN11-Related LEOPARD Syndrome. Identifiers: Orphanet 500, MedGen C4551484, MONDO:0100082, OMIM 151100.
Juvenile myelomonocytic leukemia (JMML). Also called: LEUKEMIA, JUVENILE MYELOMONOCYTIC, SOMATIC. Identifiers: Orphanet 86834, MedGen C0349639, MONDO:0011908, OMIM 607785, HP:0012209.
Metachondromatosis (METCDS). Identifiers: Orphanet 2499, MedGen C0410530, MONDO:0007979, OMIM 156250.
Noonan syndrome 1 (NS1). Also called: FEMALE PSEUDO-TURNER SYNDROME; TURNER PHENOTYPE WITH NORMAL KARYOTYPE; PTPN11-Related Noonan Syndrome. Identifiers: Orphanet 648, MedGen C4551602, MONDO:0008104, OMIM 163950. Disease mechanism: gain of function.
RASopathy. Also called: Noonan spectrum disorder; rasopathies. Identifiers: Orphanet 536391, MedGen C5555857, MONDO:0021060.

Allele frequency attached by ClinVar (database versions not stated): ExAC 0.00001; gnomAD exomes 0.00001 and 0.00002; TOPMed 0.00001.
gnomAD v4.1: 15 of 1,614,170 alleles (0.00093%); highest among the groups gnomAD compares: Admixed American, 0.012%; no homozygotes.

Submissions (9):

St. Jude Molecular Pathology, St. Jude Children's Research Hospital
Classification: Uncertain significance for Noonan syndrome 1. Last evaluated: 2026-10-01. Review status: criteria provided, single submitter. Criteria: St. Jude Assertion Criteria 2020. Collection method: clinical testing. Allele origin: germline.
Comment: The PTPN11 c.1594G>A p.(Glu532Lys) missense change has a maximum subpopulation frequency of 0.009% in gnomAD v2.1.1. The in silico tool REVEL is inconclusive about a pathogenic or benign effect of this variant on protein function, and to our knowledge functional studies have not been performed. This variant was reported in an individual with a Noonan-like phenotype (PMID: 20578946). In summary, the evidence currently available is insufficient to determine the clinical significance of this variant. It has therefore been classified as of uncertain significance.

Labcorp Genetics (formerly Invitae), Labcorp
Classification: Uncertain significance for RASopathy. Last evaluated: 2023-11-27. Review status: criteria provided, single submitter. Criteria: Invitae Variant Classification Sherloc (09022015). Collection method: clinical testing. Allele origin: germline.
Comment: This sequence change replaces glutamic acid, which is acidic and polar, with lysine, which is basic and polar, at codon 532 of the PTPN11 protein (p.Glu532Lys). This variant is present in population databases (rs587778634, gnomAD 0.009%). This variant has not been reported in the literature in individuals affected with PTPN11-related conditions. ClinVar contains an entry for this variant (Variation ID: 135111). Advanced modeling of protein sequence and biophysical properties (such as structural, functional, and spatial information, amino acid conservation, physicochemical variation, residue mobility, and thermodynamic stability) has been performed at Invitae for this missense variant, however the output from this modeling did not meet the statistical confidence thresholds required to predict the impact of this variant on PTPN11 protein function. In summary, the available evidence is currently insufficient to determine the role of this variant in disease. Therefore, it has been classified as a Variant of Uncertain Significance.

Ambry Genetics
Classification: Uncertain significance for Cardiovascular phenotype. Last evaluated: 2023-06-13. Review status: criteria provided, single submitter. Criteria: Ambry General Variant Classification Scheme_2022. Collection method: clinical testing. Allele origin: germline.
Comment: The p.E532K variant (also known as c.1594G>A), located in coding exon 13 of the PTPN11 gene, results from a G to A substitution at nucleotide position 1594. The glutamic acid at codon 532 is replaced by lysine, an amino acid with similar properties. This alteration has been reported in a Noonan-like syndrome cohort (Brasil AS et al. Genet Test Mol Biomarkers, 2010 Jun;14:425-32). This amino acid position is highly conserved in available vertebrate species. In addition, this alteration is predicted to be tolerated by in silico analysis. Since supporting evidence is limited at this time, the clinical significance of this alteration remains unclear.

Pittsburgh Clinical Genomics Laboratory, University of Pittsburgh Medical Center
Classification: Uncertain significance for Noonan syndrome 1. Last evaluated: 2023-06-06. Review status: criteria provided, single submitter. Criteria: ACMG Guidelines, 2015. Collection method: clinical testing. Allele origin: germline. Inheritance: Autosomal dominant inheritance. Affected: yes.
Comment: This sequence variant is a single nucleotide substitution (G>A) at position 1594 of the coding sequence of the PTPN11 gene that results in a glutamic acid to lysine amino acid change at residue 532 of the protein tyrosine phosphatase non-receptor type 11 protein. This is a previously reported variant (ClinVar 135111) that has been observed in an individual affected by Noon-like syndrome with clinical features of cardiofaciocutaneous syndrome (PMID: 20578946) and a member of a cohort affected by neurodevelopmental disorders (PMID: 28191889). However, this variant has also been observed in uffected individuals (PMID: 20578946, 24728327). This variant is present in 4 of 251406 alleles (0.0016%) in the gnomAD population dataset. Multiple bioinformatic tools predict that this glutamic acid to lysine amino acid change would be damaging, and the glutamic acid residue at this position is highly conserved across the vertebrate species examined. Studies examining the functiol consequence of this variant have not been published. At this time, there is insufficient evidence to determine if this variant is pathogenic or benign. Therefore, we consider this a variant of uncertain significance. ACMG Criteria: PM2, PP3

Fulgent Genetics
Classification: Uncertain significance for LEOPARD syndrome 1; Metachondromatosis; Noonan syndrome 1; Juvenile myelomonocytic leukemia. Last evaluated: 2022-05-26. Review status: criteria provided, single submitter. Criteria: ACMG Guidelines, 2015. Collection method: clinical testing. Allele origin: unknown.

Blueprint Genetics
Classification: Uncertain significance. Last evaluated: 2022-04-25. Review status: criteria provided, single submitter. Criteria: ACMG Guidelines, 2015. Collection method: clinical testing. Allele origin: germline.

Laboratory for Molecular Medicine, Mass General Brigham Personalized Medicine
Classification: Uncertain significance. Last evaluated: 2021-08-06. Review status: criteria provided, single submitter. Criteria: ACMG Guidelines, 2015. Collection method: clinical testing. Allele origin: germline.
Comment: The p.Glu532Lys variant in PTPN11 was identified in 1 individual with Noonan syndrome and 1 individual with CFC, but was also identified in two unaffected relatives from two different families (Brasil 2010 PMID: 20578946, LMM data). It has also been identified in 0.0086% (3/34592) of Latino chromosomes by gnomAD. This variant has also been reported in ClinVar (Variation ID 135111). Computational prediction tools and conservation analysis do not provide strong support for or against an impact to the protein. In summary, the clinical significance of this variant is uncertain though the available data suggests it is likely benign. ACMG/AMP Criteria applied: BS4.

Genome Diagnostics Laboratory, The Hospital for Sick Children
Classification: Uncertain significance for Noonan syndrome and Noonan-related syndrome. Last evaluated: 2021-05-28. Review status: criteria provided, single submitter. Criteria: ACMG Guidelines, 2015. Collection method: clinical testing. Allele origin: germline.

ITMI
No classification provided. Condition: AllHighlyPenetrant. Last evaluated: 2013-09-19. Review status: no classification provided. Collection method: reference population. Allele origin: germline. Not counted in ClinVar's aggregate classification.
Comment: Please see associated publication for description of ethnicities

Literature cited by the submitters: PubMed 20578946 (cited by 3 submitters); PubMed 28191889 (cited by Pittsburgh Clinical Genomics Laboratory, University of Pittsburgh Medical Center); PubMed 24728327 (cited by 3 submitters).